The following is an entry in ClinVar:

ClinVar aggregate classification (germline): Uncertain significance (1 of 4 stars; one submission).

Conditions:
Amyotrophic lateral sclerosis type 21. Also called: MYOPATHY, DISTAL, 2; VOCAL CORD AND PHARYNGEAL DYSFUNCTION WITH DISTAL MYOPATHY. Identifiers: Orphanet 600, Orphanet 803, MedGen C3807521, MONDO:0011632, OMIM 606070.

gnomAD v4.1: 1 of 1,614,226 alleles (0.000062%); highest among the groups gnomAD compares: Non-Finnish European, 0.000085%; no homozygotes.

Submission:

Labcorp Genetics (formerly Invitae), Labcorp
Classification: Uncertain significance for Amyotrophic lateral sclerosis type 21. Last evaluated: 2025-08-24. Review status: criteria provided, single submitter. Criteria: Invitae Variant Classification Sherloc (09022015). Collection method: clinical testing. Allele origin: germline.
Comment: This sequence change replaces lysine, which is basic and polar, with methionine, which is neutral and non-polar, at codon 617 of the MATR3 protein (p.Lys617Met). This variant is not present in population databases (gnomAD no frequency). This variant has not been reported in the literature in individuals affected with MATR3-related conditions. Invitae Evidence Modeling of protein sequence and biophysical properties (such as structural, functional, and spatial information, amino acid conservation, physicochemical variation, residue mobility, and thermodynamic stability) indicates that this missense variant is expected to disrupt MATR3 protein function with a positive predictive value of 80%. In summary, the available evidence is currently insufficient to determine the role of this variant in disease. Therefore, it has been classified as a Variant of Uncertain Significance.

NM_018834.6(MATR3):c.1850A>T (p.Lys617Met)

Genes: MATR3 (matrin 3; plus strand), LOC126807526 (CDK7 strongly-dependent group 2 enhancer GRCh37_chr5:138657767-138658966; plus strand). Cytogenetic location: 5q31.2.
Variant type: single nucleotide variant.
Coding change: c.1850A>T on transcript NM_018834.6 (MANE Select); coding-DNA position 1850, A replaced by T.
Protein change: p.Lys617Met; replaces lysine 617 with methionine.
Molecular consequence: missense variant.
Genome position (GRCh38, 1-based): chr5:139,322,669, A>T. VCF-style: chr5-139322669-A-T. GRCh37 (hg19) VCF-style: chr5-138658358-A-T.
Other names: c.1850A>T, p.Lys617Met (NM_001194954.2, NM_001194955.2, NM_001400441.1 and 16 more transcripts); c.986A>T, p.Lys329Met (NM_001194956.2); c.836A>T, p.Lys279Met (NM_001282278.2, NM_001400460.1, NM_001400462.1 and 5 more transcripts); c.989A>T, p.Lys330Met (NM_001400459.1); c.950A>T, p.Lys317Met (NM_001400461.1); short protein forms K279M, K617M, K317M, K329M, K330M.
Identifiers: ClinVar variation 4742758 (VCV004742758.1).
Genomic context (GRCh38, chr5:139,322,669, plus strand): 5'-ACTCTCCAGATGGCAAAGAATCTCCAAGTGATAAGAAATCCAAAACTGATGGTTCCCAGA[A>T]GACTGAGAGTTCAACCGAAGGTAAAGAACAAGAAGAGAAGTCCGGTGAAGATGGTGAGAA-3'
Protein context (NP_061322.2, residues 607-627): DKKSKTDGSQ[Lys617Met]TESSTEGKEQ